The following is an entry in ClinVar:

NM_000548.5(TSC2):c.2050G>T (p.Val684Leu)

Gene: TSC2 (TSC complex subunit 2; plus strand). Cytogenetic location: 16p13.3.
Variant type: single nucleotide variant.
Coding change: c.2050G>T on transcript NM_000548.5 (MANE Select); coding-DNA position 2050, G replaced by T.
Protein change: p.Val684Leu; replaces valine 684 with leucine.
Molecular consequence: missense variant.
Genome position (GRCh38, 1-based): chr16:2,071,887, G>T. VCF-style: chr16-2071887-G-T. GRCh37 (hg19) VCF-style: chr16-2121888-G-T.
Other names: c.2050G>T, p.Val684Leu (NM_001370404.1, NM_001370405.1, NM_021055.3 and 3 more transcripts); c.1939G>T, p.Val647Leu (NM_001318827.2); c.1903G>T, p.Val635Leu (NM_001318829.2); c.1450G>T, p.Val484Leu (NM_001318831.2); c.2083G>T, p.Val695Leu (NM_001318832.2); short protein forms V484L, V635L, V684L, V647L, V695L.
Identifiers: ClinVar variation 961871 (VCV000961871.1), dbSNP rs779275341, ClinGen allele CA394274597.

ClinVar aggregate classification (germline): Uncertain significance (1 of 4 stars; one submission).

Conditions:
Tuberous sclerosis 2 (TSC2). Identifiers: Orphanet 805, MedGen C1860707, MONDO:0013199, OMIM 613254.

Submission:

Labcorp Genetics (formerly Invitae), Labcorp
Classification: Uncertain significance for Tuberous sclerosis 2. Last evaluated: 2019-08-09. Review status: criteria provided, single submitter. Criteria: Invitae Variant Classification Sherloc (09022015). Collection method: clinical testing. Allele origin: germline.
Comment: This sequence change replaces valine with leucine at codon 684 of the TSC2 protein (p.Val684Leu). The valine residue is weakly conserved and there is a small physicochemical difference between valine and leucine. This variant is not present in population databases (ExAC no frequency). This variant has not been reported in the literature in individuals with TSC2-related conditions. Algorithms developed to predict the effect of missense changes on protein structure and function output the following: SIFT: "Tolerated"; PolyPhen-2: "Benign"; Align-GVGD: "Class C0". The leucine amino acid residue is found in multiple mammalian species, suggesting that this missense change does not adversely affect protein function. These predictions have not been confirmed by published functional studies and their clinical significance is uncertain. In summary, the available evidence is currently insufficient to determine the role of this variant in disease. Therefore, it has been classified as a Variant of Uncertain Significance.